The following is an entry in ClinVar:

ClinVar aggregate classification (germline): Likely pathogenic. Review status: criteria provided, multiple submitters, no conflicts (2 of 4 stars). 2 submissions from 2 submitters: Likely pathogenic (2). Last evaluated 2022-12-01.

Conditions:
Intellectual developmental disorder, autosomal dominant 22. Also called: Intellectual disability, autosomal dominant 22. Identifiers: MedGen CN029689, MONDO:0012869, OMIM 612337.

Submissions (2):

CeGaT Center for Human Genetics Tuebingen
Classification: Likely pathogenic. Last evaluated: 2022-12-01. Review status: criteria provided, single submitter. Criteria: CeGaT Center For Human Genetics Tuebingen Variant Classification Criteria Version 2. Collection method: clinical testing. Allele origin: germline. Affected: yes. Observed: 1 variant allele.
Comment: ZBTB18: PM2, PS2:Moderate, PP2, PP4

HudsonAlpha Institute for Biotechnology
Classification: Likely pathogenic for Intellectual developmental disorder, autosomal dominant 22. Last evaluated: 2015-07-01. Review status: criteria provided, single submitter. Criteria: HA_assertions_20161101. Collection method: research. Allele origin: de novo. Affected: yes. Study: CSER-HudsonAlpha.

NM_205768.3(ZBTB18):c.160T>C (p.Cys54Arg)

Gene: ZBTB18 (zinc finger and BTB domain containing 18; plus strand). Cytogenetic location: 1q44.
Variant type: single nucleotide variant.
Coding change: c.160T>C on transcript NM_205768.3 (MANE Select); coding-DNA position 160, T replaced by C.
Protein change: p.Cys54Arg; replaces cysteine 54 with arginine.
Molecular consequence: missense variant.
Genome position (GRCh38, 1-based): chr1:244,053,934, T>C. VCF-style: chr1-244053934-T-C. GRCh37 (hg19) VCF-style: chr1-244217236-T-C.
Other names: c.133T>C, p.Cys45Arg (NM_001278196.2, NM_006352.5); short protein forms C54R, C45R.
Identifiers: ClinVar variation 224125 (VCV000224125.31), dbSNP rs869312689, ClinGen allele CA353419.